The following is an entry in ClinVar:

ClinVar aggregate classification (germline): Benign (0 of 4 stars; one submission).

Conditions:
ALPK2-related disorder. Also called: ALPK2-related condition.

Allele frequency attached by ClinVar (database versions not stated): TOPMed 0.47771; ESP Exome Variant Server 0.47932; gnomAD 0.48420; 1000 Genomes Project 30x 0.50921; 1000 Genomes Project 0.51018.
gnomAD v4.1: 804,510 of 1,613,882 alleles (50%); highest among the groups gnomAD compares: Middle Eastern, 59%; 201,909 homozygotes.

Submission:

PreventionGenetics, part of Exact Sciences
Classification: Benign for ALPK2-related condition. Last evaluated: 2019-10-17. Review status: no assertion criteria provided. Collection method: clinical testing. Allele origin: germline.
Comment: This variant is classified as benign based on ACMG/AMP sequence variant interpretation guidelines (Richards et al. 2015 PMID: 25741868, with internal and published modifications).

NM_052947.4(ALPK2):c.828A>G (p.Leu276=)

Genes: ALPK2 (alpha kinase 2; minus strand), LOC114803473 (ALPK2 eExon liver enhancer; plus strand). Cytogenetic location: 18q21.31.
Variant type: single nucleotide variant.
Coding change: c.828A>G on transcript NM_052947.4 (MANE Select); coding-DNA position 828, A replaced by G.
Protein change: p.Leu276=; no amino-acid change (leucine 276 retained).
Molecular consequence: synonymous variant.
Genome position (GRCh38, 1-based): chr18:58,579,948, T>C on the plus strand (A>G on the coding strand, the complement: ALPK2 is on the minus strand). VCF-style: chr18-58579948-T-C. GRCh37 (hg19) VCF-style: chr18-56247180-T-C.
Identifiers: ClinVar variation 3059618 (VCV003059618.2), dbSNP rs9958735, ClinGen allele CA8977376.